The following is an entry in ClinVar:

NM_031476.4(CRISPLD2):c.1338G>A (p.Ala446=)

Gene: CRISPLD2 (cysteine rich secretory protein LCCL domain containing 2; plus strand). Cytogenetic location: 16q24.1.
Variant type: single nucleotide variant.
Coding change: c.1338G>A on transcript NM_031476.4 (MANE Select); coding-DNA position 1338, G replaced by A.
Protein change: p.Ala446=; no amino-acid change (alanine 446 retained).
Molecular consequence: synonymous variant.
Genome position (GRCh38, 1-based): chr16:84,889,262, G>A. VCF-style: chr16-84889262-G-A. GRCh37 (hg19) VCF-style: chr16-84922868-G-A.
Identifiers: ClinVar variation 3042398 (VCV003042398.2), dbSNP rs140282295, ClinGen allele CA8212129.
Genomic context (GRCh38, chr16:84,889,262, plus strand): 5'-CTGATCACAGCCCTTCCTGTGCTTCCAGACCTCAAGCATCTGCAAGACAGCCGTGCACGC[G>A]GGAGTCATCAGCAACGAGAGTGGGGGTGACGTGGACGTGATGCCCGTGGATAAAAAGAAG-3'
Protein context (NP_113664.1, residues 436-456): TSSICKTAVH[Ala446=]GVISNESGGD

ClinVar aggregate classification (germline): Likely benign (0 of 4 stars; one submission).

Conditions:
CRISPLD2-related disorder. Also called: CRISPLD2-related condition.

Allele frequency attached by ClinVar (database versions not stated): 1000 Genomes Project 30x 0.00062; 1000 Genomes Project 0.00080; ExAC 0.00084; gnomAD 0.00084; ESP Exome Variant Server 0.00092; TOPMed 0.00106.
gnomAD v4.1: 1,328 of 1,614,108 alleles (0.082%); highest among the groups gnomAD compares: Middle Eastern, 1.8%; 9 homozygotes.

Submission:

PreventionGenetics, part of Exact Sciences
Classification: Likely benign for CRISPLD2-related condition. Last evaluated: 2019-02-21. Review status: no assertion criteria provided. Collection method: clinical testing. Allele origin: germline.
Comment: This variant is classified as likely benign based on ACMG/AMP sequence variant interpretation guidelines (Richards et al. 2015 PMID: 25741868, with internal and published modifications).